The following is an entry in ClinVar:

ClinVar aggregate classification (germline): Benign/Likely benign. Review status: criteria provided, multiple submitters, no conflicts (2 of 4 stars). 8 submissions from 8 submitters: Benign (7); Likely benign (1). Last evaluated 2025-10-20.

Conditions:
Fanconi anemia (FA). Also called: Fanconi's anemia. Identifiers: Orphanet 84, MedGen C0015625, MeSH D005199, MONDO:0019391.
Fanconi anemia complementation group D2. Also called: FANCD2-Related Fanconi Anemia; FANCONI PANCYTOPENIA, TYPE 4; FANCONI ANEMIA, COMPLEMENTATION GROUP D. Identifiers: Orphanet 84, MedGen C3160738, MONDO:0009214, OMIM 227646.

Allele frequency attached by ClinVar (database versions not stated): ExAC 0.07189; gnomAD 0.09467.

Submissions (8):

Labcorp Genetics (formerly Invitae), Labcorp
Classification: Benign for Fanconi anemia. Last evaluated: 2025-10-20. Review status: criteria provided, single submitter. Criteria: Invitae Variant Classification Sherloc (09022015). Collection method: clinical testing. Allele origin: germline.

Mayo Clinic Laboratories, Mayo Clinic
Classification: Benign. Last evaluated: 2025-09-16. Review status: criteria provided, single submitter. Criteria: ACMG Guidelines, 2015. Collection method: clinical testing. Allele origin: germline. Observed: 13 variant alleles.
Comment: BA1, BP4, BP7

Blueprint Genetics
Classification: Likely benign. Last evaluated: 2024-11-26. Review status: criteria provided, single submitter. Criteria: ACMG Guidelines, 2015. Collection method: clinical testing. Allele origin: germline.

KCCC/NGS Laboratory, Kuwait Cancer Control Center
Classification: Benign for Fanconi anemia complementation group D2. Last evaluated: 2023-07-07. Review status: criteria provided, single submitter. Criteria: ACMG Guidelines, 2015. Collection method: clinical testing. Allele origin: germline. Affected: yes.

Illumina Laboratory Services, Illumina
Classification: Benign for Fanconi anemia complementation group D2. Last evaluated: 2018-01-12. Review status: criteria provided, single submitter. Criteria: ICSL Variant Classification Criteria 13 December 2019. Collection method: clinical testing. Allele origin: germline.
Comment: This variant was observed in the ICSL laboratory as part of a predisposition screen in an ostensibly healthy population. It had not been previously curated by ICSL or reported in the Human Gene Mutation Database (HGMD: prior to June 1st, 2018), and was therefore a candidate for classification through an automated scoring system. Utilizing variant allele frequency, disease prevalence and penetrance estimates, and inheritance mode, an automated score was calculated to assess if this variant is too frequent to cause the disease. Based on the score and internal cut-off values, a variant classified as benign is not then subjected to further curation. The score for this variant resulted in a classification of benign for this disease.

Genetic Services Laboratory, University of Chicago
Classification: Benign. Last evaluated: 2016-09-21. Review status: criteria provided, single submitter. Criteria: ACMG Guidelines, 2015. Collection method: clinical testing. Allele origin: germline. Affected: no.

Breakthrough Genomics
Classification: Benign. Review status: criteria provided, single submitter. Criteria: ACMG Guidelines, 2015. Collection method: not provided. Allele origin: germline. Inheritance: Autosomal recessive inheritance. Affected: yes.

PreventionGenetics, part of Exact Sciences
Classification: Benign. Review status: criteria provided, single submitter. Criteria: ACMG Guidelines, 2015. Collection method: clinical testing. Allele origin: germline.

NM_001018115.3(FANCD2):c.1414-9C>T

Genes: FANCD2 (FA complementation group D2; plus strand), LOC107303338 (3p25 FANCD2 Alu-mediated recombination region; plus strand). Cytogenetic location: 3p25.3.
Variant type: single nucleotide variant.
Coding change: c.1414-9C>T on transcript NM_001018115.3 (MANE Select); 9 bases into the intron before coding-DNA position 1414, C replaced by T.
Molecular consequence: intron variant.
Genome position (GRCh38, 1-based): chr3:10,049,365, C>T. VCF-style: chr3-10049365-C-T. GRCh37 (hg19) VCF-style: chr3-10091049-C-T.
Other names: p.?; c.1414-9C>T (NM_001319984.2, NM_001374253.1, NM_033084.6 and 3 more transcripts).
Identifiers: ClinVar variation 241731 (VCV000241731.23), dbSNP rs35557429, ClinGen allele CA2249660.
Genomic context (GRCh38, chr3:10,049,365, plus strand): 5'-GGGTGAATCCCTTTAGAATGGCCATCCATATTTTGTTTTACACTGTTCTGTTGACTCTCC[C>T]CTGTATAGGAAGTGGTTGGTGCCTTAGTGACCCATATCTGCAGTGGGAATGAAGCTGAAG-3'